The following is an entry in ClinVar:

ClinVar aggregate classification (germline): Benign. Review status: criteria provided, multiple submitters, no conflicts (2 of 4 stars). 5 submissions from 5 submitters: Benign (5). Last evaluated 2026-01-26.

Conditions:
Metaphyseal anadysplasia 2 (MANDP2). Also called: Metaphyseal anadysplasia 2, autosomal recessive. Identifiers: Orphanet 1040, MedGen C2751322, MONDO:0013113, OMIM 613073.

Allele frequency attached by ClinVar (database versions not stated): 1000 Genomes Project 0.25938; 1000 Genomes Project 30x 0.26499; TOPMed 0.41279; gnomAD exomes 0.42630 and 0.52609; gnomAD 0.42971 and 0.43840; ExAC 0.43289; ESP Exome Variant Server 0.47309.
gnomAD v4.1: 831,650 of 1,611,636 alleles (52%); highest among the groups gnomAD compares: Non-Finnish European, 58%; 230,116 homozygotes.

Submissions (5):

Labcorp Genetics (formerly Invitae), Labcorp
Classification: Benign. Last evaluated: 2026-01-26. Review status: criteria provided, single submitter. Criteria: Invitae Variant Classification Sherloc (09022015). Collection method: clinical testing. Allele origin: germline.

Genome-Nilou Lab
Classification: Benign for Metaphyseal anadysplasia 2. Last evaluated: 2021-09-05. Review status: criteria provided, single submitter. Criteria: ACMG Guidelines, 2015. Collection method: clinical testing. Allele origin: germline. Affected: no.

GeneDx
Classification: Benign. Last evaluated: 2018-11-12. Review status: criteria provided, single submitter. Criteria: GeneDx Variant Classification Process June 2021. Collection method: clinical testing. Allele origin: germline. Affected: yes.
Comment: This variant is associated with the following publications: (PMID: 28623238)

Illumina Laboratory Services, Illumina
Classification: Benign for Metaphyseal anadysplasia 2. Last evaluated: 2018-01-12. Review status: criteria provided, single submitter. Criteria: ICSL Variant Classification Criteria 13 December 2019. Collection method: clinical testing. Allele origin: germline.
Comment: This variant was observed in the ICSL laboratory as part of a predisposition screen in an ostensibly healthy population. It had not been previously curated by ICSL or reported in the Human Gene Mutation Database (HGMD: prior to June 1st, 2018), and was therefore a candidate for classification through an automated scoring system. Utilizing variant allele frequency, disease prevalence and penetrance estimates, and inheritance mode, an automated score was calculated to assess if this variant is too frequent to cause the disease. Based on the score and internal cut-off values, a variant classified as benign is not then subjected to further curation. The score for this variant resulted in a classification of benign for this disease.

Breakthrough Genomics
Classification: Benign. Review status: criteria provided, single submitter. Criteria: ACMG Guidelines, 2015. Collection method: not provided. Allele origin: germline. Inheritance: Autosomal recessive inheritance. Affected: yes.

NM_004994.3(MMP9):c.*3C>T

Genes: MMP9 (matrix metallopeptidase 9; plus strand), SLC12A5-AS1 (SLC12A5 and MMP9 antisense RNA 1; minus strand). Cytogenetic location: 20q13.12.
Variant type: single nucleotide variant.
Coding change: c.*3C>T on transcript NM_004994.3 (MANE Select); 3 bases downstream of the stop codon, C replaced by T.
Molecular consequence: 3 prime UTR variant.
Genome position (GRCh38, 1-based): chr20:46,016,371, C>T. VCF-style: chr20-46016371-C-T. GRCh37 (hg19) VCF-style: chr20-44645010-C-T.
Identifiers: ClinVar variation 338562 (VCV000338562.17), dbSNP rs20544, ClinGen allele CA9886903.